The following is an entry in ClinVar:

ClinVar aggregate classification (germline): Likely pathogenic. Review status: reviewed by expert panel (3 of 4 stars). 9 submissions from 9 submitters: Likely pathogenic (1). 8 of the submissions do not count toward it. Last evaluated 2024-11-26.

Conditions:
Familial cancer of breast. Also called: Hereditary breast cancer; hereditary breast carcinoma; BREAST CANCER, FAMILIAL. Identifiers: Orphanet 227535, MedGen C0346153, MONDO:0016419, OMIM 114480. Disease mechanism: loss of function.
Ataxia-telangiectasia syndrome (AT). Also called: Ataxia-telangiectasia, complementation group D; AT, COMPLEMENTATION GROUP C; LOUIS-BAR SYNDROME; Cerebello-oculocutaneous telangiectasia; Immunodeficiency with ataxia telangiectasia; ATAXIA-TELANGIECTASIA, COMPLEMENTATION GROUP A. Identifiers: Orphanet 100, MedGen C0004135, MONDO:0008840, OMIM 208900.
ATM-related cancer predisposition. Also called: ATM-related cancer susceptibility. Identifiers: MedGen CN377759, MONDO:0700270.
Hereditary cancer-predisposing syndrome. Also called: Hereditary Cancer Syndrome; Neoplastic Syndromes, Hereditary; Tumor predisposition; Hereditary neoplastic syndrome. Identifiers: Orphanet 140162, MedGen C0027672, MeSH D009386, MONDO:0015356.

Allele frequency attached by ClinVar (database versions not stated): gnomAD 0.00001; TOPMed below 0.00001.
gnomAD v4.1: 10 of 1,610,282 alleles (0.00062%); highest among the groups gnomAD compares: Non-Finnish European, 0.00085%; no homozygotes.

Submissions (9):

ClinGen Hereditary Breast, Ovarian and Pancreatic Cancer Variant Curation Expert Panel, ClinGen
Classification: Likely pathogenic for ATM-related cancer predisposition. Last evaluated: 2024-11-26. Review status: reviewed by expert panel. Criteria: ClinGen HBOP ACMG Specifications ATM V1.3.0. Collection method: curation. Allele origin: germline. Inheritance: Autosomal dominant inheritance.
Comment: The c.5005+1G>T variant in ATM occurs within the canonical splice donor site (+1,2) of intron 33. It is predicted to cause skipping of a biologically-relevant-exon, resulting in an in-frame deletion that is predicted to escape nonsense mediated decay. This variant has been detected in at least 1 individual with Ataxia-Telangiectasia (PMID: 26896183). This variant is absent from gnomAD v2.1.1. In summary, this variant meets criteria to be classified as likely pathogenic for autosomal dominant ATM-related cancer predisposition and autosomal recessive Ataxia-Telangiectasia based on the ACMG/AMP criteria applied, as specified by the HBOP Variant Curation Expert Panel. (PVS1_Strong, PM3, PM2_Supporting)

Labcorp Genetics (formerly Invitae), Labcorp
Classification: Likely pathogenic for Ataxia-telangiectasia syndrome. Last evaluated: 2025-12-17. Review status: criteria provided, single submitter. Criteria: Invitae Variant Classification Sherloc (09022015). Collection method: clinical testing. Allele origin: germline. Not counted in ClinVar's aggregate classification.
Comment: This sequence change affects a donor splice site in intron 33 of the ATM gene. RNA analysis indicates that disruption of this splice site induces altered splicing and likely results in a shortened protein product. This variant is not present in population databases (gnomAD no frequency). Disruption of this splice site has been observed in individual(s) with ATM-related conditions (PMID: 26896183, 35047863). ClinVar contains an entry for this variant (Variation ID: 371636). Studies have shown that disruption of this splice site results in skipping of exon 33, but is expected to preserve the integrity of the reading-frame (internal data). In summary, the currently available evidence indicates that the variant is pathogenic, but additional data are needed to prove that conclusively. Therefore, this variant has been classified as Likely Pathogenic.

Molecular Pathology, Peter Maccallum Cancer Centre
Classification: Likely pathogenic for Ataxia-telangiectasia syndrome. Last evaluated: 2025-05-28. Review status: criteria provided, single submitter. Criteria: ACMG Guidelines, 2015. Collection method: clinical testing. Allele origin: germline. Inheritance: Autosomal recessive inheritance. Not counted in ClinVar's aggregate classification.

Color Diagnostics, LLC DBA Color Health
Classification: Likely pathogenic for Hereditary cancer-predisposing syndrome. Last evaluated: 2025-01-29. Review status: criteria provided, single submitter. Criteria: ACMG Guidelines, 2015. Collection method: clinical testing. Allele origin: germline. Not counted in ClinVar's aggregate classification.
Comment: This variant causes a G to T nucleotide substitution at the +1 position of intron 33 of the ATM gene. Splice site prediction tools suggest that this variant may cause loss of a native donor splice site, potentially leading to in-frame skipping or exon 33 or use of an out-of-frame cryptic donor site. This variant has been reported to impact RNA splicing by external laboratories, however, detailed data are not available for review (ClinVar Accession: SCV001382047.5, SCV001185276.5). This variant has been reported in the compound heterozygous state in an individual affected with ataxia-telangiectasia (PMID: 26896183). This variant has not been identified in the general population by the Genome Aggregation Database (gnomAD). Loss of ATM function is a known mechanism of disease. Based on the available evidence, this variant is classified as Likely Pathogenic.

Ambry Genetics
Classification: Likely pathogenic for Hereditary cancer-predisposing syndrome. Last evaluated: 2025-01-24. Review status: criteria provided, single submitter. Criteria: Ambry Variant Classification Scheme 2023. Collection method: clinical testing. Allele origin: germline. Not counted in ClinVar's aggregate classification.
Comment: The c.5005+1G>T intronic variant results from a G to T substitution one nucleotide after coding exon 32 of the ATM gene. This alteration has also been reported in a patient with pancreatic cancer (Yu Y et al. HGG Adv, 2022 Jan;3:100078). This nucleotide position is highly conserved in available vertebrate species. In silico splice site analysis predicts that this alteration will weaken the native splice donor site. RNA studies have demonstrated that this alteration results in abnormal splicing in the set of samples tested (Ambry internal data). This variant is considered to be rare based on population cohorts in the Genome Aggregation Database (gnomAD). Based on the majority of available evidence to date, this variant is likely to be pathogenic.

GeneDx
Classification: Likely pathogenic. Last evaluated: 2024-03-01. Review status: criteria provided, single submitter. Criteria: GeneDx Variant Classification Process June 2021. Collection method: clinical testing. Allele origin: germline. Affected: yes. Not counted in ClinVar's aggregate classification.
Comment: Canonical splice site variant predicted to result in an in-frame loss of the adjacent exon in a gene for which loss of function is a known mechanism of disease; Identified with a second ATM variant, phase unknown, in an individual reported to have ataxia-telangiectasia (PMID: 26896183); Observed in an individual with pancreatic cancer (PMID: 35047863); Not observed at significant frequency in large population cohorts (gnomAD); This variant is associated with the following publications: (PMID: 35047863, 26896183)

Myriad Genetics, Inc.
Classification: Likely pathogenic for Familial cancer of breast. Last evaluated: 2024-01-25. Review status: criteria provided, single submitter. Criteria: Myriad Autosomal Dominant, Autosomal Recessive and X-Linked Classification Criteria (2023). Collection method: clinical testing. Allele origin: unknown. Not counted in ClinVar's aggregate classification.
Comment: This variant is considered likely pathogenic. This variant occurs within a consensus splice junction and is predicted to result in abnormal mRNA splicing of either an out-of-frame exon or an in-frame exon necessary for protein stability and/or normal function.

Counsyl
Classification: Likely pathogenic for Ataxia-telangiectasia syndrome. Last evaluated: 2016-11-04. Review status: no assertion criteria provided. Collection method: clinical testing. Allele origin: unknown. Not counted in ClinVar's aggregate classification.

Baylor Genetics
Classification: Uncertain significance for Familial cancer of breast. Last evaluated: 2023-10-04. Review status: flagged submission. Criteria: ACMG Guidelines, 2015. Collection method: clinical testing. Allele origin: unknown. Not counted in ClinVar's aggregate classification.
ClinVar note: Reason: Outlier claim with insufficient supporting evidence

Literature cited by the submitters: PubMed 26896183 (cited by 3 submitters); PubMed 35047863 (cited by Labcorp Genetics (formerly Invitae), Labcorp and Ambry Genetics).

NM_000051.4(ATM):c.5005+1G>T

Gene: ATM (ATM serine/threonine kinase; plus strand). Cytogenetic location: 11q22.3.
Variant type: single nucleotide variant.
Coding change: c.5005+1G>T on transcript NM_000051.4 (MANE Select); the canonical splice donor site of the intron after coding-DNA position 5005, G replaced by T.
Molecular consequence: splice donor variant.
Genome position (GRCh38, 1-based): chr11:108,297,383, G>T. VCF-style: chr11-108297383-G-T. GRCh37 (hg19) VCF-style: chr11-108168110-G-T.
Other names: c.5005+1G>T (NM_001351834.2).
Identifiers: ClinVar variation 371636 (VCV000371636.24), dbSNP rs1057517427, ClinGen allele CA16041413.
Genomic context (GRCh38, chr11:108,297,383, plus strand): 5'-TCAATTTGTTGCAGTTATCCAAGATGGCAATAAACCACACTGGTGAAAAAGAAGTTCTAG[G>T]TAAACTACAGTCATGCGCTGCGTGACATTTCAGTCAACTGCGGATCACATATAGGACAGA-3'